The following is an entry in ClinVar:

ClinVar aggregate classification (germline): Conflicting classifications of pathogenicity. Review status: criteria provided, conflicting classifications (1 of 4 stars). 2 submissions from 2 submitters: Uncertain significance (1); Likely benign (1). Last evaluated 2025-06-01.

gnomAD v4.1: 28 of 1,119,696 alleles (0.0025%); highest among the groups gnomAD compares: East Asian, 0.0093%; no homozygotes.

Submissions (2):

CeGaT Center for Human Genetics Tuebingen
Classification: Likely benign. Last evaluated: 2025-06-01. Review status: criteria provided, single submitter. Criteria: CeGaT Center For Human Genetics Tuebingen Variant Classification Criteria Version 2. Collection method: clinical testing. Allele origin: germline. Affected: yes. Observed: 2 variant alleles.
Comment: MAGEC1: BP4, BS2

Ambry Genetics
Classification: Uncertain significance. Last evaluated: 2024-10-22. Review status: criteria provided, single submitter. Criteria: Ambry Variant Classification Scheme 2023. Collection method: clinical testing. Allele origin: germline.

NM_005462.5(MAGEC1):c.965C>T (p.Ser322Phe)

Gene: MAGEC1 (MAGE family member C1; plus strand). Cytogenetic location: Xq27.2.
Variant type: single nucleotide variant.
Coding change: c.965C>T on transcript NM_005462.5 (MANE Select); coding-DNA position 965, C replaced by T.
Protein change: p.Ser322Phe; replaces serine 322 with phenylalanine.
Molecular consequence: missense variant.
Genome position (GRCh38, 1-based): chrX:141,906,369, C>T. VCF-style: chrX-141906369-C-T. GRCh37 (hg19) VCF-style: chrX-140994155-C-T.
Other names: short protein forms S322F.
Identifiers: ClinVar variation 3542073 (VCV003542073.14).